The following is an entry in ClinVar:

ClinVar aggregate classification (germline): Uncertain significance. Review status: criteria provided, multiple submitters, no conflicts (2 of 4 stars). 2 submissions from 2 submitters: Uncertain significance (2). Last evaluated 2025-01-22.

Conditions:
Familial sleep-related hypermotor epilepsy. Also called: Autosomal Dominant Sleep-Related Hypermotor (Hyperkinetic) Epilepsy. Identifiers: Orphanet 98784, MedGen C3696898, MONDO:0000030.

Allele frequency attached by ClinVar (database versions not stated): gnomAD 0.00001; TOPMed 0.00001; ESP Exome Variant Server 0.00008; gnomAD exomes 0.00001.

Submissions (2):

Labcorp Genetics (formerly Invitae), Labcorp
Classification: Uncertain significance. Last evaluated: 2025-01-22. Review status: criteria provided, single submitter. Criteria: Invitae Variant Classification Sherloc (09022015). Collection method: clinical testing. Allele origin: germline.
Comment: This sequence change replaces valine, which is neutral and non-polar, with alanine, which is neutral and non-polar, at codon 313 of the CHRNB2 protein (p.Val313Ala). This variant is not present in population databases (gnomAD no frequency). This variant has not been reported in the literature in individuals affected with CHRNB2-related conditions. ClinVar contains an entry for this variant (Variation ID: 421485). Invitae Evidence Modeling of protein sequence and biophysical properties (such as structural, functional, and spatial information, amino acid conservation, physicochemical variation, residue mobility, and thermodynamic stability) indicates that this missense variant is not expected to disrupt CHRNB2 protein function with a negative predictive value of 80%. In summary, the available evidence is currently insufficient to determine the role of this variant in disease. Therefore, it has been classified as a Variant of Uncertain Significance.

GeneDx
Classification: Uncertain significance. Last evaluated: 2016-06-14. Review status: criteria provided, single submitter. Criteria: GeneDx Variant Classification (06012015). Collection method: clinical testing. Allele origin: germline. Affected: yes.
Comment: The V313A variant in the CHRNB2 gene has not been reported previously as a pathogenic variant, nor as a benign variant, to our knowledge. The V313A variant was not observed at any significant frequency in approximately 6,500 individuals of European and African American ancestry in the NHLBI Exome Sequencing Project, indicating it is not a common benign variant in these populations. The V313A variant is a conservative amino acid substitution, which is not likely to impact secondary protein structure as these residues share similar properties. This substitution occurs at a position where amino acids with similar properties to Valine are tolerated across species. In silico analysis predicts this variant is probably damaging to the protein structure/function. We interpret V313A as a variant of uncertain significance.

NM_000748.3(CHRNB2):c.938T>C (p.Val313Ala)

Gene: CHRNB2 (cholinergic receptor nicotinic beta 2 subunit; plus strand). Cytogenetic location: 1q21.3.
Variant type: single nucleotide variant.
Coding change: c.938T>C on transcript NM_000748.3 (MANE Select); coding-DNA position 938, T replaced by C.
Protein change: p.Val313Ala; replaces valine 313 with alanine.
Molecular consequence: missense variant.
Genome position (GRCh38, 1-based): chr1:154,571,761, T>C. VCF-style: chr1-154571761-T-C. GRCh37 (hg19) VCF-style: chr1-154544237-T-C.
Other names: short protein forms V313A.
Identifiers: ClinVar variation 421485 (VCV000421485.4), dbSNP rs367833033, ClinGen allele CA16616985.